The following is an entry in ClinVar:

ClinVar aggregate classification (germline): Likely benign. Review status: criteria provided, multiple submitters, no conflicts (2 of 4 stars). 5 submissions from 5 submitters: Likely benign (5). Last evaluated 2025-08-01.

Allele frequency attached by ClinVar (database versions not stated): 1000 Genomes Project 0.00020; 1000 Genomes Project 30x 0.00031; gnomAD 0.00062 and 0.00063; TOPMed 0.00068; ESP Exome Variant Server 0.00087.
gnomAD v4.1: 1,239 of 1,614,046 alleles (0.077%); highest among the groups gnomAD compares: Non-Finnish European, 0.093%; 3 homozygotes.

Submissions (5):

CeGaT Center for Human Genetics Tuebingen
Classification: Likely benign. Last evaluated: 2025-08-01. Review status: criteria provided, single submitter. Criteria: CeGaT Center For Human Genetics Tuebingen Variant Classification Criteria Version 2. Collection method: clinical testing. Allele origin: germline. Affected: yes. Observed: 3 variant alleles.
Comment: HERC1: BP4, BP7

Labcorp Genetics (formerly Invitae), Labcorp
Classification: Likely benign. Last evaluated: 2025-04-27. Review status: criteria provided, single submitter. Criteria: Invitae Variant Classification Sherloc (09022015). Collection method: clinical testing. Allele origin: germline.

Blueprint Genetics
Classification: Likely benign. Last evaluated: 2024-09-03. Review status: criteria provided, single submitter. Criteria: ACMG Guidelines, 2015. Collection method: clinical testing. Allele origin: germline.

GeneDx
Classification: Likely benign. Last evaluated: 2019-09-10. Review status: criteria provided, single submitter. Criteria: GeneDx Variant Classification Process June 2021. Collection method: clinical testing. Allele origin: germline. Affected: yes.

Breakthrough Genomics
Classification: Likely benign. Review status: criteria provided, single submitter. Criteria: ACMG Guidelines, 2015. Collection method: not provided. Allele origin: germline. Inheritance: Autosomal recessive inheritance. Affected: yes.

NM_003922.4(HERC1):c.14280G>A (p.Thr4760=)

Gene: HERC1 (HECT and RLD domain containing E3 ubiquitin protein ligase family member 1; minus strand). Cytogenetic location: 15q22.31.
Variant type: single nucleotide variant.
Coding change: c.14280G>A on transcript NM_003922.4 (MANE Select); coding-DNA position 14280, G replaced by A.
Protein change: p.Thr4760=; no amino-acid change (threonine 4760 retained).
Molecular consequence: synonymous variant.
Genome position (GRCh38, 1-based): chr15:63,612,371, C>T on the plus strand (G>A on the coding strand, the complement: HERC1 is on the minus strand). VCF-style: chr15-63612371-C-T. GRCh37 (hg19) VCF-style: chr15-63904570-C-T.
Identifiers: ClinVar variation 774495 (VCV000774495.43), dbSNP rs200151191, ClinGen allele CA7603518.